The following is an entry in ClinVar:

ClinVar aggregate classification (germline): Likely pathogenic. Review status: criteria provided, multiple submitters, no conflicts (2 of 4 stars). 3 submissions from 3 submitters: Likely pathogenic (3). Last evaluated 2026-01-15.

Conditions:
Hereditary spastic paraplegia 39 (SPG39). Also called: SPASTIC PARAPLEGIA 39, AUTOSOMAL RECESSIVE; Spastic Paraplegia Type 39 (SPG39). Identifiers: Orphanet 139480, MedGen C2677586, MONDO:0012787, OMIM 612020.
PNPLA6-related disorder. Also called: PNPLA6-related disorders; PNPLA6-related condition.

Allele frequency attached by ClinVar (database versions not stated): gnomAD 0.00001; TOPMed 0.00001; gnomAD exomes 0.00002.
gnomAD v4.1: 25 of 1,583,986 alleles (0.0016%); highest among the groups gnomAD compares: Admixed American, 0.0067%; no homozygotes.

Submissions (4):

Labcorp Genetics (formerly Invitae), Labcorp
Classification: Likely pathogenic for Hereditary spastic paraplegia 39. Last evaluated: 2026-01-15. Review status: criteria provided, single submitter. Criteria: Invitae Variant Classification Sherloc (09022015). Collection method: clinical testing. Allele origin: germline.
Comment: This sequence change affects a donor splice site in intron 32 of the PNPLA6 gene. RNA analysis indicates that disruption of this splice site induces altered splicing and likely results in a shortened protein product. This variant is present in population databases (no rsID available, gnomAD 0.009%). Disruption of this splice site has been observed in individual(s) with Oliver-McFarlane syndrome (PMID: 33141049). In at least one individual the data is consistent with being in trans (on the opposite chromosome) from a pathogenic variant. This variant is also known as c.3846+1G>A. ClinVar contains an entry for this variant (Variation ID: 445982). Studies have shown that disruption of this splice site results in skipping of exon 32, but is expected to preserve the integrity of the reading-frame (PMID: 33141049). In summary, the currently available evidence indicates that the variant is pathogenic, but additional data are needed to prove that conclusively. Therefore, this variant has been classified as Likely Pathogenic.

Blueprint Genetics
Classification: Likely pathogenic for PNPLA6-related disorders. Last evaluated: 2023-01-18. Review status: criteria provided, single submitter. Criteria: ACMG Guidelines, 2015. Collection method: clinical testing. Allele origin: germline. Affected: yes. Observed: 4 variant alleles.

Center for Pediatric Genomic Medicine, Children's Mercy Hospital and Clinics
Classification: Likely pathogenic. Last evaluated: 2017-04-28. Review status: criteria provided, single submitter. Criteria: ACMG Guidelines, 2015. Collection method: clinical testing. Allele origin: germline.

Dr. Peter K. Rogan Lab, Western University
No classification provided (evidence only). Condition: Sarcoma. Review status: no classification provided. Collection method: in vitro. Allele origin: not applicable. Functional consequence: retained intron. Not counted in ClinVar's aggregate classification.

Literature cited by the submitters: PubMed 33141049 (cited by Labcorp Genetics (formerly Invitae), Labcorp).

NM_001166114.2(PNPLA6):c.3816+1G>A

Gene: PNPLA6 (patatin like domain 6, lysophospholipase; plus strand). Cytogenetic location: 19p13.2.
Variant type: single nucleotide variant.
Coding change: c.3816+1G>A on transcript NM_001166114.2 (MANE Select); the canonical splice donor site of the intron after coding-DNA position 3816, G replaced by A.
Molecular consequence: splice donor variant.
Genome position (GRCh38, 1-based): chr19:7,560,765, G>A. VCF-style: chr19-7560765-G-A. GRCh37 (hg19) VCF-style: chr19-7625651-G-A.
Other names: c.3702+1G>A (NM_006702.5, NM_001166113.1); c.3621+1G>A (NM_001166112.2); c.3846+1G>A (NM_001166111.2).
Identifiers: ClinVar variation 445982 (VCV000445982.12), dbSNP rs1490826010, ClinGen allele CA403138038.